The following is an entry in ClinVar:

NM_001365276.2(TNXB):c.3821C>T (p.Pro1274Leu)

Gene: TNXB (tenascin XB; minus strand). Cytogenetic location: 6p21.33.
Variant type: single nucleotide variant.
Coding change: c.3821C>T on transcript NM_001365276.2 (MANE Select); coding-DNA position 3821, C replaced by T.
Protein change: p.Pro1274Leu; replaces proline 1274 with leucine.
Molecular consequence: missense variant.
Genome position (GRCh38, 1-based): chr6:32,081,589, G>A on the plus strand (C>T on the coding strand, the complement: TNXB is on the minus strand). VCF-style: chr6-32081589-G-A. GRCh37 (hg19) VCF-style: chr6-32049366-G-A.
Other names: c.3821C>T, p.Pro1274Leu (NM_019105.8); short protein forms P1274L.
Identifiers: ClinVar variation 1306001 (VCV001306001.3), dbSNP rs1228236916, ClinGen allele CA363434239.

ClinVar aggregate classification (germline): Uncertain significance (1 of 4 stars; one submission).

Allele frequency attached by ClinVar (database versions not stated): gnomAD 0.00001; TOPMed 0.00001.
gnomAD v4.1: 9 of 1,602,816 alleles (0.00056%); highest among the groups gnomAD compares: African/African-American, 0.0013%; no homozygotes.

Submission:

GeneDx
Classification: Uncertain significance. Last evaluated: 2025-01-12. Review status: criteria provided, single submitter. Criteria: GeneDx Variant Classification Process June 2021. Collection method: clinical testing. Allele origin: germline. Affected: yes.
Comment: Has not been previously published as pathogenic or benign to our knowledge; Not observed at significant frequency in large population cohorts (gnomAD); In silico analysis supports that this missense variant has a deleterious effect on protein structure/function